The following is an entry in ClinVar:

ClinVar aggregate classification (germline): Uncertain significance. Review status: criteria provided, multiple submitters, no conflicts (2 of 4 stars). 2 submissions from 2 submitters: Uncertain significance (2). Last evaluated 2025-05-20.

Conditions:
Inborn genetic diseases. Identifiers: MedGen C0950123, MeSH D030342.

Allele frequency attached by ClinVar (database versions not stated): gnomAD exomes 0.00002; gnomAD 0.00001.
gnomAD v4.1: 29 of 1,604,238 alleles (0.0018%); highest among the groups gnomAD compares: Non-Finnish European, 0.0022%; no homozygotes.

Submissions (2):

Ambry Genetics
Classification: Uncertain significance for Inborn genetic diseases. Last evaluated: 2025-05-20. Review status: criteria provided, single submitter. Criteria: Ambry Variant Classification Scheme 2023. Collection method: clinical testing. Allele origin: germline.

Labcorp Genetics (formerly Invitae), Labcorp
Classification: Uncertain significance. Last evaluated: 2022-05-19. Review status: criteria provided, single submitter. Criteria: Invitae Variant Classification Sherloc (09022015). Collection method: clinical testing. Allele origin: germline.
Comment: This variant has not been reported in the literature in individuals affected with PLAA-related conditions. Algorithms developed to predict the effect of missense changes on protein structure and function are either unavailable or do not agree on the potential impact of this missense change (SIFT: "Tolerated"; PolyPhen-2: "Possibly Damaging"; Align-GVGD: "Class C0"). In summary, the available evidence is currently insufficient to determine the role of this variant in disease. Therefore, it has been classified as a Variant of Uncertain Significance. This variant is present in population databases (no rsID available, gnomAD 0.002%). This sequence change replaces asparagine, which is neutral and polar, with serine, which is neutral and polar, at codon 410 of the PLAA protein (p.Asn410Ser).

NM_001031689.3(PLAA):c.1229A>G (p.Asn410Ser)

Gene: PLAA (phospholipase A2 activating protein; minus strand). Cytogenetic location: 9p21.2.
Variant type: single nucleotide variant.
Coding change: c.1229A>G on transcript NM_001031689.3 (MANE Select); coding-DNA position 1229, A replaced by G.
Protein change: p.Asn410Ser; replaces asparagine 410 with serine.
Molecular consequence: missense variant.
Genome position (GRCh38, 1-based): chr9:26,919,498, T>C on the plus strand (A>G on the coding strand, the complement: PLAA is on the minus strand). VCF-style: chr9-26919498-T-C. GRCh37 (hg19) VCF-style: chr9-26919496-T-C.
Other names: c.1229A>G, p.Asn410Ser (NM_001321546.2); c.1229A>G (NM_001031689.2); short protein forms N410S.
Identifiers: ClinVar variation 1972437 (VCV001972437.4), dbSNP rs1381447481, ClinGen allele CA373132283.